The following is an entry in ClinVar:

NM_138927.4(SON):c.4268C>T (p.Ala1423Val)

Gene: SON (SON DNA and RNA binding protein; plus strand). Cytogenetic location: 21q22.11.
Variant type: single nucleotide variant.
Coding change: c.4268C>T on transcript NM_138927.4 (MANE Select); coding-DNA position 4268, C replaced by T.
Protein change: p.Ala1423Val; replaces alanine 1423 with valine.
Molecular consequence: missense variant. On other transcripts: non-coding transcript variant (1), intron variant (1).
Genome position (GRCh38, 1-based): chr21:33,553,499, C>T. VCF-style: chr21-33553499-C-T. GRCh37 (hg19) VCF-style: chr21-34925805-C-T.
Other names: c.4268C>T (NM_138927.2); c.4268C>T, p.Ala1423Val (NM_001291411.2, NM_001412133.1, NM_032195.3 and 2 more transcripts); c.245-3657C>T (NM_001291412.3); short protein forms A1423V.
Identifiers: ClinVar variation 1943036 (VCV001943036.5), dbSNP rs567952884, ClinGen allele CA10009498.
Genomic context (GRCh38, chr21:33,553,499, plus strand): 5'-TTACCATTCCTGTGCCAGTTGTTTCTGCGCTGGAGCCTTCTGTGCCTGTTCTGGAACCAG[C>T]GGTGTCAGTCCTTCAACCTTCTATGATTGTTTCAGAACCATCTGTTTCTGTCCAGGAATC-3'
Protein context (NP_620305.3, residues 1413-1433): LEPSVPVLEP[Ala1423Val]VSVLQPSMIV

ClinVar aggregate classification (germline): Conflicting classifications of pathogenicity. Review status: criteria provided, conflicting classifications (1 of 4 stars). 2 submissions from 2 submitters: Uncertain significance (1); Likely benign (1). Last evaluated 2025-09-03.

Conditions:
SON-related disorder. Also called: SON-related condition.

Allele frequency attached by ClinVar (database versions not stated): gnomAD exomes 0.00001; ExAC 0.00002; TOPMed 0.00003; gnomAD 0.00005.
gnomAD v4.1: 29 of 1,614,092 alleles (0.0018%); highest among the groups gnomAD compares: African/African-American, 0.0027%; no homozygotes.

Submissions (2):

Labcorp Genetics (formerly Invitae), Labcorp
Classification: Uncertain significance. Last evaluated: 2025-09-03. Review status: criteria provided, single submitter. Criteria: Invitae Variant Classification Sherloc (09022015). Collection method: clinical testing. Allele origin: germline.
Comment: This sequence change replaces alanine, which is neutral and non-polar, with valine, which is neutral and non-polar, at codon 1423 of the SON protein (p.Ala1423Val). This variant is present in population databases (rs567952884, gnomAD 0.01%). This variant has not been reported in the literature in individuals affected with SON-related conditions. ClinVar contains an entry for this variant (Variation ID: 1943036). An algorithm developed to predict the effect of missense changes on protein structure and function outputs the following: PolyPhen-2: "Benign". The valine amino acid residue is found in multiple mammalian species, which suggests that this missense change does not adversely affect protein function. In summary, the available evidence is currently insufficient to determine the role of this variant in disease. Therefore, it has been classified as a Variant of Uncertain Significance.

PreventionGenetics, part of Exact Sciences
Classification: Likely benign for SON-related condition. Last evaluated: 2025-03-06. Review status: criteria provided, single submitter. Criteria: ACMG Guidelines, 2015. Collection method: clinical testing. Allele origin: germline.
Comment: This variant is classified as likely benign based on ACMG/AMP sequence variant interpretation guidelines (Richards et al. 2015 PMID: 25741868, with internal and published modifications).